The following is an entry in ClinVar:

NM_003919.3(SGCE):c.109+11337G>A

Gene: SGCE (sarcoglycan epsilon; minus strand). Cytogenetic location: 7q21.3.
Variant type: single nucleotide variant.
Coding change: c.109+11337G>A on transcript NM_003919.3 (MANE Select); 11337 bases into the intron after coding-DNA position 109, G replaced by A.
Molecular consequence: intron variant. On other transcripts: 5 prime UTR variant (3).
Genome position (GRCh38, 1-based): chr7:94,644,653, C>T on the plus strand (G>A on the coding strand, the complement: SGCE is on the minus strand). VCF-style: chr7-94644653-C-T. GRCh37 (hg19) VCF-style: chr7-94273965-C-T.
Other names: c.-134G>A (NM_001346719.2); c.-212G>A (NM_001346720.2, NM_001362808.2); c.109+11337G>A (NM_001362809.2, NM_001301139.2, NM_001346717.2 and 2 more transcripts); c.110-5205G>A (NM_001346715.2, NM_001346713.2); c.-154-3689G>A (NM_001362807.2).
Identifiers: ClinVar variation 2657685 (VCV002657685.24), dbSNP rs561858113, ClinGen allele CA4348907.

ClinVar aggregate classification (germline): Likely benign (1 of 4 stars; one submission).

Allele frequency attached by ClinVar (database versions not stated): gnomAD exomes 0.00024; ExAC 0.00065; 1000 Genomes Project 30x 0.00219; 1000 Genomes Project 0.00220; gnomAD 0.00236; TOPMed 0.00255.
gnomAD v4.1: 626 of 1,286,270 alleles (0.049%); highest among the groups gnomAD compares: African/African-American, 0.87%; 3 homozygotes.

Submission:

CeGaT Center for Human Genetics Tuebingen
Classification: Likely benign. Last evaluated: 2022-12-01. Review status: criteria provided, single submitter. Criteria: CeGaT Center For Human Genetics Tuebingen Variant Classification Criteria Version 2. Collection method: clinical testing. Allele origin: germline. Affected: yes. Observed: 1 variant allele.
Comment: SGCE: BS1